The following is an entry in ClinVar:

ClinVar aggregate classification (germline): Pathogenic (1 of 4 stars; one submission).

Conditions:
Cardiovascular phenotype. Identifiers: MedGen CN230736.

Submission:

Ambry Genetics
Classification: Pathogenic for Cardiovascular phenotype. Last evaluated: 2023-02-06. Review status: criteria provided, single submitter. Criteria: Ambry Variant Classification Scheme 2023. Collection method: clinical testing. Allele origin: germline.
Comment: The c.775delG pathogenic mutation, located in coding exon 7 of the MYBPC3 gene, results from a deletion of one nucleotide at nucleotide position 775, causing a translational frameshift with a predicted alternate stop codon (p.A259Pfs*41). This variant is considered to be rare based on population cohorts in the Genome Aggregation Database (gnomAD). This alteration is expected to result in loss of function by premature protein truncation or nonsense-mediated mRNA decay. As such, this alteration is interpreted as a disease-causing mutation.

NM_000256.3(MYBPC3):c.775del (p.Ala259fs)

Gene: MYBPC3 (myosin binding protein C3; minus strand). Cytogenetic location: 11p11.2.
Variant type: Deletion.
Coding change: c.775del on transcript NM_000256.3 (MANE Select); coding-DNA position 775, one base deleted (G; older notation c.775delG).
Protein change: p.Ala259fs; shifts the reading frame from alanine 259.
Molecular consequence: frameshift variant.
Genome position (GRCh38, 1-based): chr11:47,347,903, C deleted on the plus strand (G on the coding strand, the reverse complement: MYBPC3 is on the minus strand); the first of 2 consecutive C bases (chr11:47,347,903-47,347,904); deleting either gives the same sequence. VCF-style (leftmost placement, unchanged base first): chr11-47347902-GC-G. GRCh37 (hg19) VCF-style: chr11-47369453-GC-G.
Other names: c.775delG (NM_000256.3); short protein forms A259fs.
Identifiers: ClinVar variation 2448105 (VCV002448105.2), dbSNP rs2495775452, ClinGen allele CA2580084211.
Genomic context (GRCh38, chr11:47,347,902, plus strand): 5'-AGGATGGCCACTCACGTGCGGCGGAAGGCTGATAGGAGGTCCAGGTCTCCGGTGCCCATG[GC>G]CTCTGGGTTCAAAGGGTGGAGAGATGGGGGAAGGGGCTTCAGAGGGGGCCGTTTGAGAAG-3'